The following is an entry in ClinVar:

NM_152383.5(DIS3L2):c.1991T>A (p.Met664Lys)

Gene: DIS3L2 (DIS3 like 3'-5' exoribonuclease 2; plus strand). Cytogenetic location: 2q37.1.
Variant type: single nucleotide variant.
Coding change: c.1991T>A on transcript NM_152383.5 (MANE Select); coding-DNA position 1991, T replaced by A.
Protein change: p.Met664Lys; replaces methionine 664 with lysine.
Molecular consequence: missense variant. On other transcripts: non-coding transcript variant (2), intron variant (1).
Genome position (GRCh38, 1-based): chr2:232,330,757, T>A. VCF-style: chr2-232330757-T-A. GRCh37 (hg19) VCF-style: chr2-233195467-T-A.
Other names: c.1582-12588T>A (NM_001257281.2); short protein forms M664K.
Identifiers: ClinVar variation 463085 (VCV000463085.9), dbSNP rs1553550935, ClinGen allele CA350976718.
Genomic context (GRCh38, chr2:232,330,757, plus strand): 5'-TGACCCAAACATTTGGAGATGACAAGTACTCACTGGCCCGCAAGGAGGTGCTCACCAACA[T>A]GTGCTCCCGGCCCATGCAGGTAAGGAGGGCCCAGCCCCGGCCTCCCCTGCTCCCAGGAGC-3'
Protein context (NP_689596.4, residues 654-674): SLARKEVLTN[Met664Lys]CSRPMQMALY

ClinVar aggregate classification (germline): Uncertain significance (1 of 4 stars; one submission).

Conditions:
Perlman syndrome (PRLMNS). Identifiers: Orphanet 2849, MedGen C0796113, MONDO:0009965, OMIM 267000.

Allele frequency attached by ClinVar (database versions not stated): gnomAD exomes below 0.00001.
gnomAD v4.1: 1 of 1,612,424 alleles (0.000062%); highest among the groups gnomAD compares: Admixed American, 0.0017%; no homozygotes.

Submission:

Labcorp Genetics (formerly Invitae), Labcorp
Classification: Uncertain significance for Perlman syndrome. Last evaluated: 2024-07-23. Review status: criteria provided, single submitter. Criteria: Invitae Variant Classification Sherloc (09022015). Collection method: clinical testing. Allele origin: germline.
Comment: This sequence change replaces methionine, which is neutral and non-polar, with lysine, which is basic and polar, at codon 664 of the DIS3L2 protein (p.Met664Lys). This variant is not present in population databases (gnomAD no frequency). This variant has not been reported in the literature in individuals affected with DIS3L2-related conditions. ClinVar contains an entry for this variant (Variation ID: 463085). Advanced modeling of protein sequence and biophysical properties (such as structural, functional, and spatial information, amino acid conservation, physicochemical variation, residue mobility, and thermodynamic stability) performed at Invitae indicates that this missense variant is not expected to disrupt DIS3L2 protein function with a negative predictive value of 80%. In summary, the available evidence is currently insufficient to determine the role of this variant in disease. Therefore, it has been classified as a Variant of Uncertain Significance.